The following is an entry in ClinVar:

ClinVar aggregate classification (germline): Uncertain significance (1 of 4 stars; one submission).

Conditions:
Inborn genetic diseases. Identifiers: MedGen C0950123, MeSH D030342.

Submission:

Ambry Genetics
Classification: Uncertain significance for Inborn genetic diseases. Last evaluated: 2023-07-24. Review status: criteria provided, single submitter. Criteria: Ambry Variant Classification Scheme 2023. Collection method: clinical testing. Allele origin: germline.
Comment: The c.3446T>A (p.L1149Q) alteration is located in exon 19 (coding exon 19) of the AUTS2 gene. This alteration results from a T to A substitution at nucleotide position 3446, causing the leucine (L) at amino acid position 1149 to be replaced by a glutamine (Q). This variant was not reported in population-based cohorts in the Genome Aggregation Database (gnomAD). This amino acid position is well conserved in available vertebrate species. This alteration is predicted to be tolerated by in silico analysis. Based on insufficient or conflicting evidence, the clinical significance of this alteration remains unclear.

NM_015570.4(AUTS2):c.3446T>A (p.Leu1149Gln)

Gene: AUTS2 (activator of transcription and developmental regulator AUTS2; plus strand). Cytogenetic location: 7q11.22.
Variant type: single nucleotide variant.
Coding change: c.3446T>A on transcript NM_015570.4 (MANE Select); coding-DNA position 3446, T replaced by A.
Protein change: p.Leu1149Gln; replaces leucine 1149 with glutamine.
Molecular consequence: missense variant.
Genome position (GRCh38, 1-based): chr7:70,790,662, T>A. VCF-style: chr7-70790662-T-A. GRCh37 (hg19) VCF-style: chr7-70255648-T-A.
Other names: c.3374T>A, p.Leu1125Gln (NM_001127231.3); short protein forms L1125Q, L1149Q.
Identifiers: ClinVar variation 2604477 (VCV002604477.2), dbSNP rs1585703457, ClinGen allele CA367666206.
Genomic context (GRCh38, chr7:70,790,662, plus strand): 5'-ACCACCACCACCACCCGCTGTCTGTGGACCCTCGGCGGGAGCACGAGCGGGGAGGCCACC[T>A]GGACGAGCGGGAGCGCTTGCACATGCTCAGAGAAGACTACGAGCACACGCGGCTCCACTC-3'
Protein context (NP_056385.1, residues 1139-1159): PRREHERGGH[Leu1149Gln]DERERLHMLR